The following is an entry in ClinVar:

ClinVar aggregate classification (germline): Uncertain significance (1 of 4 stars; one submission).

Conditions:
Inborn genetic diseases. Identifiers: MedGen C0950123, MeSH D030342.

gnomAD v4.1: 3 of 1,586,180 alleles (0.00019%); highest among the groups gnomAD compares: African/African-American, 0.0027%; no homozygotes.

Submission:

Ambry Genetics
Classification: Uncertain significance for Inborn genetic diseases. Last evaluated: 2026-08-19. Review status: criteria provided, single submitter. Criteria: Ambry Variant Classification Scheme 2023. Collection method: clinical testing. Allele origin: germline.
Comment: The c.416-3A>T intronic alteration consists of a A to T substitution 3 nucleotides before coding exon 2 in the SPAST gene. Based on data from gnomAD, the T allele has an overall frequency of 0.001% (3/282104) total alleles studied. The highest observed frequency was 0.012% (3/24928) of African alleles. This nucleotide position is highly conserved in available vertebrate species. In silico splice site analysis predicts that this alteration will not have any significant effect on splicing. Based on insufficient or conflicting evidence, the clinical significance of this alteration remains unclear.

NM_014946.4(SPAST):c.416-3A>T

Gene: SPAST (spastin; plus strand). Cytogenetic location: 2p22.3.
Variant type: single nucleotide variant.
Coding change: c.416-3A>T on transcript NM_014946.4 (MANE Select); 3 bases into the intron before coding-DNA position 416, A replaced by T.
Molecular consequence: intron variant.
Genome position (GRCh38, 1-based): chr2:32,087,489, A>T. VCF-style: chr2-32087489-A-T. GRCh37 (hg19) VCF-style: chr2-32312558-A-T.
Other names: c.416-3A>T (NM_199436.2, NM_001377959.1); c.416-6A>T (NM_001363823.2, NM_001363875.2).
Identifiers: ClinVar variation 5030070 (VCV005030070.1).